The following is an entry in ClinVar:

NM_000059.4(BRCA2):c.1583del (p.Asn528fs)

Gene: BRCA2 (BRCA2 DNA repair associated; plus strand). Cytogenetic location: 13q13.1.
Variant type: Deletion.
Coding change: c.1583del on transcript NM_000059.4 (MANE Select); coding-DNA position 1583, one base deleted (A; older notation c.1583delA).
Protein change: p.Asn528fs; shifts the reading frame from asparagine 528.
Molecular consequence: frameshift variant.
Genome position (GRCh38, 1-based): chr13:32,333,061, A deleted; the last of 3 consecutive A bases (chr13:32,333,059-32,333,061); deleting any one gives the same sequence. VCF-style (leftmost placement, unchanged base first): chr13-32333058-CA-C. GRCh37 (hg19) VCF-style: chr13-32907195-CA-C.
Other names: short protein forms N528fs.
Identifiers: ClinVar variation 1190132 (VCV001190132.7), dbSNP rs2137472869, ClinGen allele CA2499222084.

ClinVar aggregate classification (germline): Pathogenic. Review status: criteria provided, multiple submitters, no conflicts (2 of 4 stars). 2 submissions from 2 submitters: Pathogenic (2). Last evaluated 2023-04-10.

Conditions:
Hereditary breast ovarian cancer syndrome. Also called: Breast and ovarian cancer; BRCA1- and BRCA2-Associated Hereditary Breast and Ovarian Cancer; Hereditary breast and ovarian cancer; Hereditary breast and ovarian cancer syndrome; Hereditary breast and ovarian cancer syndrome (HBOC); Hereditary breast and/or ovarian cancer syndrome. Identifiers: Orphanet 145, MedGen C0677776, MeSH D061325, MONDO:0003582. Disease mechanism: loss of function.

Submissions (2):

Labcorp Genetics (formerly Invitae), Labcorp
Classification: Pathogenic for Hereditary breast ovarian cancer syndrome. Last evaluated: 2023-04-10. Review status: criteria provided, single submitter. Criteria: Invitae Variant Classification Sherloc (09022015). Collection method: clinical testing. Allele origin: germline.
Comment: This sequence change creates a premature translational stop signal (p.Asn528Thrfs*30) in the BRCA2 gene. It is expected to result in an absent or disrupted protein product. Loss-of-function variants in BRCA2 are known to be pathogenic (PMID: 20104584). This variant is not present in population databases (gnomAD no frequency). This variant has not been reported in the literature in individuals affected with BRCA2-related conditions. ClinVar contains an entry for this variant (Variation ID: 1190132). For these reasons, this variant has been classified as Pathogenic.

GeneDx
Classification: Pathogenic. Last evaluated: 2021-01-08. Review status: criteria provided, single submitter. Criteria: GeneDx Variant Classification Process June 2021. Collection method: clinical testing. Allele origin: germline. Affected: yes.
Comment: Frameshift variant predicted to result in protein truncation or nonsense mediated decay in a gene for which loss-of-function is a known mechanism of disease; Observed in individuals with breast cancer (Kwong 2016); Truncating variants in this gene are considered pathogenic by a well-established clinical consortium and/or database; Not observed in large population cohorts (Lek 2016); Also known as 1811delA; This variant is associated with the following publications: (PMID: 26187060)

Literature cited by the submitters: PubMed 20104584 (cited by Labcorp Genetics (formerly Invitae), Labcorp).